The following is an entry in ClinVar:

ClinVar aggregate classification (germline): Uncertain significance. Review status: criteria provided, multiple submitters, no conflicts (2 of 4 stars). 2 submissions from 2 submitters: Uncertain significance (2). Last evaluated 2024-10-15.

Submissions (2):

Labcorp Genetics (formerly Invitae), Labcorp
Classification: Uncertain significance. Last evaluated: 2024-10-15. Review status: criteria provided, single submitter. Criteria: Invitae Variant Classification Sherloc (09022015). Collection method: clinical testing. Allele origin: germline.
Comment: This variant, c.4145_4150dup, results in the insertion of 2 amino acid(s) of the APC2 protein (p.Pro1382_Ala1383dup), but otherwise preserves the integrity of the reading frame. This variant is present in population databases (rs779635546, gnomAD 0.006%). This variant has not been reported in the literature in individuals affected with APC2-related conditions. ClinVar contains an entry for this variant (Variation ID: 1695529). In summary, the available evidence is currently insufficient to determine the role of this variant in disease. Therefore, it has been classified as a Variant of Uncertain Significance.

GeneDx
Classification: Uncertain significance. Last evaluated: 2022-07-07. Review status: criteria provided, single submitter. Criteria: GeneDx Variant Classification Process June 2021. Collection method: clinical testing. Allele origin: germline. Affected: yes.
Comment: In-frame insertion of 2 amino acids in a non-repeat region; In silico analysis supports that this variant does not alter protein structure/function; Has not been previously published as pathogenic or benign to our knowledge

NM_005883.3(APC2):c.4139CGGCCC[3] (p.Ala1383_Gln1384insProAla)

Gene: APC2 (APC regulator of Wnt signaling pathway 2; plus strand). Cytogenetic location: 19p13.3.
Variant type: Microsatellite.
Coding change: c.4139CGGCCC[3] on transcript NM_005883.3 (MANE Select); three copies in a row of the 6-base unit CGGCCC starting at c.4139; the reference has two copies in a row; one copy, 6 bases duplicated.
Protein change: p.Ala1383_Gln1384insProAla.
Molecular consequence: inframe insertion.
Genome position (GRCh38, 1-based): chr19:1,467,446-1,467,451, CGGCCC duplicated; duplicating any 6 consecutive bases within chr19:1,467,436-1,467,451 gives the same sequence; the position shown is the placement nearest the transcript's 3' end. VCF-style (leftmost placement, unchanged base first): chr19-1467435-C-CGCCCCG. GRCh37 (hg19) VCF-style: chr19-1467434-C-CGCCCCG.
Other names: c.4136CGGCCC[3], p.Ala1382_Gln1383insProAla (NM_001351273.1).
Identifiers: ClinVar variation 1695529 (VCV001695529.6), dbSNP rs779635546, ClinGen allele CA9045788.